The following is an entry in ClinVar:

NM_006767.4(LZTR1):c.792-7C>G

Gene: LZTR1 (leucine zipper like post translational regulator 1; plus strand). Cytogenetic location: 22q11.21.
Variant type: single nucleotide variant.
Coding change: c.792-7C>G on transcript NM_006767.4 (MANE Select); 7 bases into the intron before coding-DNA position 792, C replaced by G.
Molecular consequence: intron variant.
Genome position (GRCh38, 1-based): chr22:20,991,621, C>G. VCF-style: chr22-20991621-C-G. GRCh37 (hg19) VCF-style: chr22-21345910-C-G.
Identifiers: ClinVar variation 2811280 (VCV002811280.3), dbSNP rs1336099730, ClinGen allele CA2655435590.

ClinVar aggregate classification (germline): Uncertain significance (1 of 4 stars; one submission).

Allele frequency attached by ClinVar (database versions not stated): gnomAD exomes below 0.00001.
gnomAD v4.1: 1 of 1,573,722 alleles (0.000064%); highest among the groups gnomAD compares: Non-Finnish European, 0.000086%; no homozygotes.

Submission:

Labcorp Genetics (formerly Invitae), Labcorp
Classification: Uncertain significance. Last evaluated: 2022-11-01. Review status: criteria provided, single submitter. Criteria: Invitae Variant Classification Sherloc (09022015). Collection method: clinical testing. Allele origin: germline.
Comment: In summary, the available evidence is currently insufficient to determine the role of this variant in disease. Therefore, it has been classified as a Variant of Uncertain Significance. This variant has not been reported in the literature in individuals affected with LZTR1-related conditions. Algorithms developed to predict the effect of sequence changes on RNA splicing suggest that this variant may disrupt the consensus splice site. This variant is not present in population databases (gnomAD no frequency). This sequence change falls in intron 8 of the LZTR1 gene. It does not directly change the encoded amino acid sequence of the LZTR1 protein.